The following is an entry in ClinVar:

NM_001369.3(DNAH5):c.5405_5406insGTCTCTTATACACATC (p.Val1803fs)

Gene: DNAH5 (dynein axonemal heavy chain 5; minus strand). Cytogenetic location: 5p15.2.
Variant type: Insertion.
Coding change: c.5405_5406insGTCTCTTATACACATC on transcript NM_001369.3 (MANE Select); coding-DNA positions 5405 to 5406, GTCTCTTATACACATC inserted.
Protein change: p.Val1803fs; shifts the reading frame from valine 1803.
Molecular consequence: frameshift variant.
Genome position: GRCh38 VCF-style: chr5-13841770-A-AGATGTGTATAAGAGAC. GRCh37 (hg19) VCF-style: chr5-13841879-A-AGATGTGTATAAGAGAC.
Other names: short protein forms V1803fs.
Identifiers: ClinVar variation 5011077 (VCV005011077.1).

ClinVar aggregate classification (germline): Pathogenic (1 of 4 stars; one submission).

Conditions:
Primary ciliary dyskinesia 3. Identifiers: Orphanet 244, MedGen C1837618, MONDO:0012085, OMIM 608644.

Submission:

Myriad Genetics, Inc.
Classification: Pathogenic for Primary ciliary dyskinesia 3. Last evaluated: 2024-05-14. Review status: criteria provided, single submitter. Criteria: Myriad Autosomal Dominant, Autosomal Recessive and X-Linked Classification Criteria (2023). Collection method: clinical testing. Allele origin: unknown.
Comment: NM_001369.2(DNAH5):c.5405_5406ins16(V1803Sfs*23) is expected to be pathogenic in the context of primary ciliary dyskinesia, DNAH5-related. This variant is predicted to lead to an abnormal or absent protein product due to the creation of a premature termination codon in DNAH5, a gene where loss-of-function variants are known to be pathogenic. Please note: this variant was assessed in the context of healthy population screening.